The following is an entry in ClinVar:

NM_020433.5(JPH2):c.1322A>T (p.Glu441Val)

Gene: JPH2 (junctophilin 2; minus strand). Cytogenetic location: 20q13.12.
Variant type: single nucleotide variant.
Coding change: c.1322A>T on transcript NM_020433.5 (MANE Select); coding-DNA position 1322, A replaced by T.
Protein change: p.Glu441Val; replaces glutamic acid 441 with valine.
Molecular consequence: missense variant.
Genome position (GRCh38, 1-based): chr20:44,116,353, T>A on the plus strand (A>T on the coding strand, the complement: JPH2 is on the minus strand). VCF-style: chr20-44116353-T-A. GRCh37 (hg19) VCF-style: chr20-42744993-T-A.
Other names: short protein forms E441V.
Identifiers: ClinVar variation 1769931 (VCV001769931.4), dbSNP rs2515718602, ClinGen allele CA409100911.

ClinVar aggregate classification (germline): Uncertain significance. Review status: criteria provided, multiple submitters, no conflicts (2 of 4 stars). 2 submissions from 2 submitters: Uncertain significance (2). Last evaluated 2024-11-06.

Conditions:
Hypertrophic cardiomyopathy. Also called: HYPERTROPHIC MYOCARDIOPATHY. Identifiers: Orphanet 217569, MedGen C0007194, MeSH D002312, MONDO:0005045, HP:0001639.
Cardiovascular phenotype. Identifiers: MedGen CN230736.

Allele frequency attached by ClinVar (database versions not stated): gnomAD exomes below 0.00001.
gnomAD v4.1: 1 of 1,547,564 alleles (0.000065%); highest among the groups gnomAD compares: African/African-American, 0.0014%; no homozygotes.

Submissions (2):

Labcorp Genetics (formerly Invitae), Labcorp
Classification: Uncertain significance for Hypertrophic cardiomyopathy. Last evaluated: 2024-11-06. Review status: criteria provided, single submitter. Criteria: Invitae Variant Classification Sherloc (09022015). Collection method: clinical testing. Allele origin: germline.
Comment: This sequence change replaces glutamic acid, which is acidic and polar, with valine, which is neutral and non-polar, at codon 441 of the JPH2 protein (p.Glu441Val). This variant is not present in population databases (gnomAD no frequency). This variant has not been reported in the literature in individuals affected with JPH2-related conditions. ClinVar contains an entry for this variant (Variation ID: 1769931). An algorithm developed to predict the effect of missense changes on protein structure and function (PolyPhen-2) suggests that this variant is likely to be tolerated. In summary, the available evidence is currently insufficient to determine the role of this variant in disease. Therefore, it has been classified as a Variant of Uncertain Significance.

Ambry Genetics
Classification: Uncertain significance for Cardiovascular phenotype. Last evaluated: 2020-12-23. Review status: criteria provided, single submitter. Criteria: Ambry Variant Classification Scheme 2023. Collection method: clinical testing. Allele origin: germline.
Comment: The p.E441V variant (also known as c.1322A>T), located in coding exon 4 of the JPH2 gene, results from an A to T substitution at nucleotide position 1322. The glutamic acid at codon 441 is replaced by valine, an amino acid with dissimilar properties. This amino acid position is well conserved in available vertebrate species; however, valine is the reference amino acid in other vertebrate species. In addition, this alteration is predicted to be tolerated by in silico analysis. Since supporting evidence is limited at this time, the clinical significance of this alteration remains unclear.